The following is an entry in ClinVar:

NM_007294.4(BRCA1):c.2641G>T (p.Glu881Ter)

Gene: BRCA1 (BRCA1 DNA repair associated; minus strand). Cytogenetic location: 17q21.31.
Variant type: single nucleotide variant.
Coding change: c.2641G>T on transcript NM_007294.4 (MANE Select); coding-DNA position 2641, G replaced by T.
Protein change: p.Glu881Ter; replaces glutamic acid 881 with a stop codon.
Molecular consequence: nonsense. On other transcripts: intron variant (137).
Genome position (GRCh38, 1-based): chr17:43,092,890, C>A on the plus strand (G>T on the coding strand, the complement: BRCA1 is on the minus strand). VCF-style: chr17-43092890-C-A. GRCh37 (hg19) VCF-style: chr17-41244907-C-A.
Other names: 2760G>T; NP_009225.1:p.Glu881Ter; c.2641G>T, p.Glu881Ter (NM_001407582.1, NM_001407583.1, NM_001407585.1 and 30 more transcripts); c.2638G>T, p.Glu880Ter (NM_001407587.1, NM_001407590.1, NM_001407591.1 and 22 more transcripts); c.2632G>T, p.Glu878Ter (NM_001407646.1, NM_001407647.1); c.2518G>T, p.Glu840Ter (NM_001407648.1, NM_001407664.1, NM_001407665.1 and 19 more transcripts); c.2515G>T, p.Glu839Ter (NM_001407649.1, NM_001407670.1, NM_001407671.1 and 11 more transcripts); c.2563G>T, p.Glu855Ter (NM_001407653.1, NM_001407654.1, NM_001407655.1 and 4 more transcripts); and 43 more; short protein forms E881*, E834*, E585*, E713*, E753*, E754*, E770*, E792*.
Identifiers: ClinVar variation 54625 (VCV000054625.27), dbSNP rs397508988, ClinGen allele CA001732.
Genomic context (GRCh38, chr17:43,092,890, plus strand): 5'-AAGTGACTTTTGGACTTTGTTTCTTTAAGGACCCAGAGTGGGCAGAGAATGTTGCACATT[C>A]CTCTTCTGCATTTCCTGGATTTGAAAACGGAGCAAATGACTGGCGCTTTGAAACCTTGAA-3'

ClinVar aggregate classification (germline): Pathogenic. Review status: reviewed by expert panel (3 of 4 stars). 13 submissions from 13 submitters: Pathogenic (1). 12 of the submissions do not count toward it. Last evaluated 2016-04-22.

Conditions:
Hereditary cancer-predisposing syndrome. Also called: Tumor predisposition; Neoplastic Syndromes, Hereditary; Hereditary Cancer Syndrome; Hereditary neoplastic syndrome. Identifiers: Orphanet 140162, MedGen C0027672, MeSH D009386, MONDO:0015356.
Hereditary breast ovarian cancer syndrome. Also called: Hereditary breast and ovarian cancer syndrome (HBOC); Hereditary breast and ovarian cancer syndrome; Hereditary breast and ovarian cancer; Hereditary breast and/or ovarian cancer syndrome; Breast and ovarian cancer; BRCA1- and BRCA2-Associated Hereditary Breast and Ovarian Cancer. Identifiers: Orphanet 145, MedGen C0677776, MeSH D061325, MONDO:0003582. Disease mechanism: loss of function.
Breast-ovarian cancer, familial, susceptibility to, 1 (BROVCA1). Also called: OVARIAN CANCER, SUSCEPTIBILITY TO; BRCA1 Hereditary Breast and Ovarian Cancer. Identifiers: Orphanet 145, MedGen C2676676, MONDO:0011450, OMIM 604370. Disease mechanism: loss of function.

gnomAD v4.1: 3 of 1,613,904 alleles (0.00019%); highest among the groups gnomAD compares: Non-Finnish European, 0.00017%; no homozygotes.

Submissions (13):

Evidence-based Network for the Interpretation of Germline Mutant Alleles (ENIGMA)
Classification: Pathogenic for Breast-ovarian cancer, familial, susceptibility to, 1. Last evaluated: 2016-04-22. Review status: reviewed by expert panel. Criteria: ENIGMA BRCA1/2 Classification Criteria (2015). Collection method: curation. Allele origin: germline.
Comment: Variant allele predicted to encode a truncated non-functional protein.

Labcorp Genetics (formerly Invitae), Labcorp
Classification: Pathogenic for Hereditary breast ovarian cancer syndrome. Last evaluated: 2025-12-03. Review status: criteria provided, single submitter. Criteria: Invitae Variant Classification Sherloc (09022015). Collection method: clinical testing. Allele origin: germline. Not counted in ClinVar's aggregate classification.
Comment: This sequence change creates a premature translational stop signal (p.Glu881*) in the BRCA1 gene. It is expected to result in an absent or disrupted protein product. Loss-of-function variants in BRCA1 are known to be pathogenic (PMID: 20104584). This variant is not present in population databases (gnomAD no frequency). This premature translational stop signal has been observed in individual(s) with breast and/or ovarian cancer (PMID: 15146556, 23885733, 26915939). It is commonly reported in individuals of Afrikaner ancestry (PMID: 15146556, 23885733, 26915939). This variant is also known as 2760G>T. ClinVar contains an entry for this variant (Variation ID: 54625). For these reasons, this variant has been classified as Pathogenic.

Molecular Pathology, Peter Maccallum Cancer Centre
Classification: Pathogenic for Breast-ovarian cancer, familial, susceptibility to, 1. Last evaluated: 2025-06-11. Review status: criteria provided, single submitter. Criteria: ACMG Guidelines, 2015. Collection method: clinical testing. Allele origin: germline. Inheritance: Autosomal dominant inheritance. Not counted in ClinVar's aggregate classification.

Quest Diagnostics Nichols Institute San Juan Capistrano
Classification: Pathogenic. Last evaluated: 2024-10-15. Review status: criteria provided, single submitter. Criteria: Quest Diagnostics criteria. Collection method: clinical testing. Allele origin: unknown. Not counted in ClinVar's aggregate classification.
Comment: The BRCA1 c.2641G>T (p.Glu881*) variant has been reported in the published literature in individuals with a personal or family history of breast and/or ovarian cancer (PMIDs: 33461583 (2021), 31090900 (2019), 29446198 (2018), 26915939 (2016)). It is also described as an Afrikaner founder variant in the published literature (PMIDs: 28888541 (2017), 15146556 (2004)). This variant has not been reported in large, multi-ethnic general populations (Genome Aggregation Database). Based on the available information, this variant is classified as pathogenic.

Color Diagnostics, LLC DBA Color Health
Classification: Pathogenic for Hereditary cancer-predisposing syndrome. Last evaluated: 2024-08-19. Review status: criteria provided, single submitter. Criteria: ACMG Guidelines, 2015. Collection method: clinical testing. Allele origin: germline. Not counted in ClinVar's aggregate classification.
Comment: This variant changes 1 nucleotide in exon 10 of the BRCA1 gene, creating a premature translation stop signal. This variant is expected to result in an absent or non-functional protein product. This variant has been reported in a recurrent mutation in hereditary breast and ovarian cancer families in South Africa (PMID: 15146556, 21204799, 22486351, 23885733), and a haplotype analysis found a common genotype among the Afrikaner population in South Africa (PMID: 15146556). This variant has been reported to segregate with breast cancer in a family (PMID: 22486351) and it also has been detected in a breast cancer case-control meta-analysis in 1/60466 cases and 0/53461 unaffected individuals (PMID: 33471991; Leiden Open Variation Database DB-ID BRCA1_002952). This variant has not been identified in the general population by the Genome Aggregation Database (gnomAD). Loss of BRCA1 function is a known mechanism of disease. Based on the available evidence, this variant is classified as Pathogenic.

Revvity Omics, Revvity
Classification: Pathogenic. Last evaluated: 2023-11-16. Review status: criteria provided, single submitter. Criteria: ACMG Guidelines, 2015. Collection method: clinical testing. Allele origin: germline. Not counted in ClinVar's aggregate classification.

National Health Laboratory Service, Universitas Academic Hospital and University of the Free State
Classification: Pathogenic for Hereditary breast ovarian cancer syndrome. Last evaluated: 2022-04-19. Review status: criteria provided, single submitter. Criteria: ACMG Guidelines, 2015. Collection method: clinical testing. Allele origin: germline. Affected: yes. Observed: 1 variant allele. Not counted in ClinVar's aggregate classification.

Ambry Genetics
Classification: Pathogenic for Hereditary cancer-predisposing syndrome. Last evaluated: 2022-03-18. Review status: criteria provided, single submitter. Criteria: Ambry Variant Classification Scheme 2023. Collection method: clinical testing. Allele origin: germline. Not counted in ClinVar's aggregate classification.
Comment: The p.E881* pathogenic mutation (also known as c.2641G>T), located in coding exon 9 of the BRCA1 gene, results from a G to T substitution at nucleotide position 2641. This changes the amino acid from a glutamic acid to a stop codon within coding exon 9. This alteration has been reported in multiple individuals from the South African Afrikaner population with significant personal and family histories of breast and/or ovarian cancer, and is regarded as a founder mutation in this population (van der Merwe NC et al. Clin. Genet. 2012 Feb; 81(2):179-84; Schoeman M et al. S. Afr. Med. J. 2013 Aug; 103(8):529-33; Reeves MD et al. Int. J. Cancer 2004 Jul; 110(5):677-82; Loubser F et al. Clin. Genet. 2012 Dec; 82(6):599-600; Seymour HJ et al. S. Afr. Med. J. 2016 Mar; 106(3):264-7). Of note, this alteration is also designated as 2760G>T in the published literature. In addition to the clinical data presented in the literature, this alteration is expected to result in loss of function by premature protein truncation or nonsense-mediated mRNA decay. As such, this alteration is interpreted as a disease-causing mutation.

Baylor Genetics
Classification: Pathogenic for Breast-ovarian cancer, familial, susceptibility to, 1. Last evaluated: 2021-07-22. Review status: criteria provided, single submitter. Criteria: ACMG Guidelines, 2015. Collection method: clinical testing. Allele origin: unknown. Not counted in ClinVar's aggregate classification.

GeneDx
Classification: Pathogenic. Last evaluated: 2017-01-04. Review status: criteria provided, single submitter. Criteria: GeneDx Variant Classification (06012015). Collection method: clinical testing. Allele origin: germline. Affected: yes. Not counted in ClinVar's aggregate classification.
Comment: This pathogenic variant is denoted BRCA1 c.2641G>T at the cDNA level and p.Glu881Ter (E881X) at the protein level. The substitution creates a nonsense variant, which changes a Glutamic Acid to a premature stop codon (GAA>TAA), and is predicted to cause loss of normal protein function through either protein truncation or nonsense-mediated mRNA decay. BRCA1 Glu881Ter has been observed in association with hereditary breast and/or ovarian cancer, and is reported to be an Afrikaner pathogenic founder variant (Reeves 2004, van der Merwe 2012, Plaskocinska 2016). We therefore consider this variant to be pathogenic.

Consortium of Investigators of Modifiers of BRCA1/2 (CIMBA), c/o University of Cambridge
Classification: Pathogenic for Breast-ovarian cancer, familial, susceptibility to, 1. Last evaluated: 2015-10-02. Review status: criteria provided, single submitter. Criteria: CIMBA Mutation Classification guidelines May 2016. Collection method: clinical testing. Allele origin: germline. Not counted in ClinVar's aggregate classification.

Neuberg Centre For Genomic Medicine, NCGM
Classification: Pathogenic for Breast-ovarian cancer, familial, susceptibility to, 1. Review status: criteria provided, single submitter. Criteria: ACMG Guidelines, 2015. Collection method: clinical testing. Allele origin: germline. Inheritance: Autosomal dominant inheritance. Affected: yes. Not counted in ClinVar's aggregate classification.
Comment: The stop-gained variant c.2641G>T (p.Glu881Ter) in the BRCA1 gene has been reported previously in heterozygous state in multiple patients affected with Breast and Ovarian Cancer (Van der Merwe et al., 2022; Seymour et al., 2016). The c.2641G>T variant is novel (not in any individuals) in gnomAD Exomes. This variant has been reported to the ClinVar database as Pathogenic (multiple submissions). This variant is predicted to cause a loss of normal protein function through protein truncation. Loss of function variants has been previously reported to be disease causing. For these reasons, this variant has been classified as Pathogenic.

Research Molecular Genetics Laboratory, Women's College Hospital, University of Toronto
Classification: Pathogenic for Hereditary breast ovarian cancer syndrome. Last evaluated: 2014-01-31. Review status: no assertion criteria provided. Collection method: research. Allele origin: germline. Affected: yes. Study: The Canadian Open Genetics Repository (COGR). Not counted in ClinVar's aggregate classification.

Literature cited by the submitters: PubMed 20104584 (cited by Labcorp Genetics (formerly Invitae), Labcorp); PubMed 15146556 (cited by 4 submitters); PubMed 23885733 (cited by 3 submitters); PubMed 26915939 (cited by 3 submitters); PubMed 28888541 (cited by Quest Diagnostics Nichols Institute San Juan Capistrano); PubMed 33461583 (cited by Quest Diagnostics Nichols Institute San Juan Capistrano); PubMed 31090900 (cited by Quest Diagnostics Nichols Institute San Juan Capistrano); PubMed 29446198 (cited by Quest Diagnostics Nichols Institute San Juan Capistrano); PubMed 21204799 (cited by Color Diagnostics, LLC DBA Color Health and Ambry Genetics); PubMed 22486351 (cited by Color Diagnostics, LLC DBA Color Health and Ambry Genetics); PubMed 33471991 (cited by Color Diagnostics, LLC DBA Color Health).